The following is an entry in ClinVar:

ClinVar aggregate classification (germline): Uncertain significance (1 of 4 stars; one submission).

Conditions:
NEK8-related disorder. Also called: NEK8-related condition.

gnomAD v4.1: 1 of 1,614,150 alleles (0.000062%); highest among the groups gnomAD compares: Middle Eastern, 0.016%; no homozygotes.

Submission:

PreventionGenetics, part of Exact Sciences
Classification: Uncertain significance for NEK8-related condition. Last evaluated: 2026-05-10. Review status: criteria provided, single submitter. Criteria: ACMG Guidelines, 2015. Collection method: clinical testing. Allele origin: germline.
Comment: The NEK8 c.1464G>C variant is predicted to result in the amino acid substitution p.Gln488His. To our knowledge, this variant has not been reported in the literature or in a large population database (gnomAD), indicating this variant is rare. At this time, the clinical significance of this variant is uncertain due to the absence of conclusive functional and genetic evidence.

NM_178170.3(NEK8):c.1464G>C (p.Gln488His)

Gene: NEK8 (NIMA related kinase 8; plus strand). Cytogenetic location: 17q11.2.
Variant type: single nucleotide variant.
Coding change: c.1464G>C on transcript NM_178170.3 (MANE Select); coding-DNA position 1464, G replaced by C.
Protein change: p.Gln488His; replaces glutamine 488 with histidine.
Molecular consequence: missense variant.
Genome position (GRCh38, 1-based): chr17:28,740,509, G>C. VCF-style: chr17-28740509-G-C. GRCh37 (hg19) VCF-style: chr17-27067527-G-C.
Other names: short protein forms Q488H.
Identifiers: ClinVar variation 4978454 (VCV004978454.1).